The following is an entry in ClinVar:

ClinVar aggregate classification (germline): Uncertain significance (1 of 4 stars; one submission).

Conditions:
Cardiovascular phenotype. Identifiers: MedGen CN230736.

Allele frequency attached by ClinVar (database versions not stated): gnomAD exomes below 0.00001; TOPMed 0.00001.
gnomAD v4.1: 1 of 1,613,988 alleles (0.000062%); highest among the groups gnomAD compares: Non-Finnish European, 0.000085%; no homozygotes.

Submission:

Ambry Genetics
Classification: Uncertain significance for Cardiovascular phenotype. Last evaluated: 2021-12-21. Review status: criteria provided, single submitter. Criteria: Ambry Variant Classification Scheme 2023. Collection method: clinical testing. Allele origin: germline.
Comment: The p.P460L variant (also known as c.1379C>T), located in coding exon 7 of the EPHB4 gene, results from a C to T substitution at nucleotide position 1379. The proline at codon 460 is replaced by leucine, an amino acid with similar properties. This amino acid position is well conserved in available vertebrate species. In addition, this alteration is predicted to be tolerated by in silico analysis. Since supporting evidence is limited at this time, the clinical significance of this alteration remains unclear.

NM_004444.5(EPHB4):c.1379C>T (p.Pro460Leu)

Gene: EPHB4 (EPH receptor B4; minus strand). Cytogenetic location: 7q22.1.
Variant type: single nucleotide variant.
Coding change: c.1379C>T on transcript NM_004444.5 (MANE Select); coding-DNA position 1379, C replaced by T.
Protein change: p.Pro460Leu; replaces proline 460 with leucine.
Molecular consequence: missense variant.
Genome position (GRCh38, 1-based): chr7:100,818,563, G>A on the plus strand (C>T on the coding strand, the complement: EPHB4 is on the minus strand). VCF-style: chr7-100818563-G-A. GRCh37 (hg19) VCF-style: chr7-100416185-G-A.
Other names: short protein forms P460L.
Identifiers: ClinVar variation 1771233 (VCV001771233.2), dbSNP rs1813138929, ClinGen allele CA368573578.